The following is an entry in ClinVar:

NM_014727.3(KMT2B):c.6822G>C (p.Gln2274His)

Gene: KMT2B (lysine methyltransferase 2B; plus strand). Cytogenetic location: 19q13.12.
Variant type: single nucleotide variant.
Coding change: c.6822G>C on transcript NM_014727.3 (MANE Select); coding-DNA position 6822, G replaced by C.
Protein change: p.Gln2274His; replaces glutamine 2274 with histidine.
Molecular consequence: missense variant.
Genome position (GRCh38, 1-based): chr19:35,733,371, G>C. VCF-style: chr19-35733371-G-C. GRCh37 (hg19) VCF-style: chr19-36224272-G-C.
Other names: short protein forms Q2274H.
Identifiers: ClinVar variation 3765684 (VCV003765684.1).
Genomic context (GRCh38, chr19:35,733,371, plus strand): 5'-CCCGCCACCCCCTCCCCTGACGCTGGTGCTGAGCAGTGGGCCAGCCAGCCCGCCCCGCCA[G>C]GCCATCCGCGTCAAGAGGGTGTCCACTTTCTCCGGCCGGTCCCCGCCAGCACCTCCCCCA-3'
Protein context (NP_055542.1, residues 2264-2284): LSSGPASPPR[Gln2274His]AIRVKRVSTF

ClinVar aggregate classification (germline): Uncertain significance (1 of 4 stars; one submission).

Submission:

Greenwood Genetic Center Diagnostic Laboratories, Greenwood Genetic Center
Classification: Uncertain significance. Last evaluated: 2024-10-03. Review status: criteria provided, single submitter. Criteria: ACMG Guidelines, 2015. Collection method: clinical testing. Allele origin: germline. Affected: yes.
Comment: PM2, BP4